The following is an entry in ClinVar:

NC_000002.11:g.(?_233194513)_(233201340_?)dup

Gene: DIS3L2 (DIS3 like 3'-5' exoribonuclease 2; plus strand). Cytogenetic location: 2q37.1.
Variant type: Duplication.
Identifiers: ClinVar variation 1004699 (VCV001004699.2).

ClinVar aggregate classification (germline): Uncertain significance (1 of 4 stars; one submission).

Conditions:
Perlman syndrome (PRLMNS). Identifiers: Orphanet 2849, MedGen C0796113, MONDO:0009965, OMIM 267000.

Submission:

Labcorp Genetics (formerly Invitae), Labcorp
Classification: Uncertain significance for Perlman syndrome. Last evaluated: 2022-10-29. Review status: criteria provided, single submitter. Criteria: Invitae Variant Classification Sherloc (09022015). Collection method: clinical testing. Allele origin: germline.
Comment: This variant results in a copy number gain of the genomic region encompassing exon(s) 15-21 of the DIS3L2 gene. This region includes the termination codon of the gene. This copy number gain extends beyond the assayed region for this gene and therefore may encompass additional genes. As the precise location of this event is unknown, it may be in tandem or it may be located elsewhere in the genome. This variant has not been reported in the literature in individuals affected with DIS3L2-related conditions. In summary, the available evidence is currently insufficient to determine the role of this variant in disease. Therefore, it has been classified as a Variant of Uncertain Significance.